The following is an entry in ClinVar:

NM_033380.3(COL4A5):c.81+2dup

Gene: COL4A5 (collagen type IV alpha 5 chain; plus strand). Cytogenetic location: Xq22.3.
Variant type: Duplication.
Coding change: c.81+2dup on transcript NM_033380.3 (MANE Select); the canonical splice donor site of the intron after coding-DNA position 81, one base duplicated (T; older notation c.81+2dupT).
Molecular consequence: splice donor variant.
Genome position (GRCh38, 1-based): chrX:108,440,208, T duplicated. VCF-style (leftmost placement, unchanged base first): chrX-108440207-G-GT. GRCh37 (hg19) VCF-style: chrX-107683437-G-GT.
Other names: c.81+2dup (NM_000495.5).
Identifiers: ClinVar variation 2681731 (VCV002681731.3), dbSNP rs2523833601.

ClinVar aggregate classification (germline): Pathogenic. Review status: criteria provided, multiple submitters, no conflicts (2 of 4 stars). 2 submissions from 2 submitters: Pathogenic (2). Last evaluated 2024-08-30.

Conditions:
X-linked Alport syndrome (ATS1). Also called: NEPHROPATHY AND DEAFNESS, X-LINKED; COL4A5-Related Nephropathy. Identifiers: Orphanet 63, Orphanet 88917, MedGen C4746986, MONDO:0010520, OMIM 301050.

Submissions (2):

3billion
Classification: Pathogenic for X-linked Alport syndrome. Last evaluated: 2024-08-30. Review status: criteria provided, single submitter. Criteria: ACMG Guidelines, 2015. Collection method: clinical testing. Allele origin: germline. Affected: yes.
Comment: The variant is not observed in the gnomAD v4.0.0 dataset. Predicted Consequence/Location: Canonical splice site: predicted to alter splicing and result in a loss or disruption of normal protein function. Multiple pathogenic loss-of-function variants are reported downstream of the variant. In silico tools predict the variant to alter splicing and produce an abnormal transcript [SpliceAI: 0.34 (spliceogenicity >=0.2, non-spliceogenicity <0.1)]. The variant has been reported to be associated with COL4A5-related disorder (ClinVar ID: VCV002681731). Therefore, this variant is classified as Pathogenic according to the recommendation of ACMG/AMP guideline.

Precision Medicine Center, Zhengzhou University
Classification: Pathogenic for X-linked Alport syndrome. Last evaluated: 2023-12-01. Review status: criteria provided, single submitter. Criteria: ACMG Guidelines, 2015. Collection method: clinical testing. Allele origin: maternal. Affected: yes.
Comment: PVS1,PM2_p,PP4